The following is an entry in ClinVar:

NM_018417.6(ADCY10):c.3307A>C (p.Met1103Leu)

Gene: ADCY10 (adenylate cyclase 10; minus strand). Cytogenetic location: 1q24.2.
Variant type: single nucleotide variant.
Coding change: c.3307A>C on transcript NM_018417.6 (MANE Select); coding-DNA position 3307, A replaced by C.
Protein change: p.Met1103Leu; replaces methionine 1103 with leucine.
Molecular consequence: missense variant.
Genome position (GRCh38, 1-based): chr1:167,836,311, T>G on the plus strand (A>C on the coding strand, the complement: ADCY10 is on the minus strand). VCF-style: chr1-167836311-T-G. GRCh37 (hg19) VCF-style: chr1-167805549-T-G.
Other names: c.2848A>C, p.Met950Leu (NM_001167749.3); c.3031A>C, p.Met1011Leu (NM_001297772.2); c.3307A>C (NM_018417.4); short protein forms M1103L, M1011L, M950L.
Identifiers: ClinVar variation 1412468 (VCV001412468.10), dbSNP rs755931495, ClinGen allele CA1227410.

ClinVar aggregate classification (germline): Uncertain significance. Review status: criteria provided, multiple submitters, no conflicts (2 of 4 stars). 3 submissions from 3 submitters: Uncertain significance (3). Last evaluated 2025-02-07.

Conditions:
Familial idiopathic hypercalciuria (HCA2). Also called: Hypercalciuria, absorptive, 2; Hypercalciuria, absorptive, susceptibility to. Identifiers: MedGen C0342639, MONDO:0007748, OMIM 143870.

Allele frequency attached by ClinVar (database versions not stated): ExAC 0.00001; gnomAD 0.00002; TOPMed 0.00003.

Submissions (3):

Ambry Genetics
Classification: Uncertain significance. Last evaluated: 2025-02-07. Review status: criteria provided, single submitter. Criteria: Ambry Variant Classification Scheme 2023. Collection method: clinical testing. Allele origin: germline.

Fulgent Genetics
Classification: Uncertain significance for Familial idiopathic hypercalciuria. Last evaluated: 2022-01-07. Review status: criteria provided, single submitter. Criteria: ACMG Guidelines, 2015. Collection method: clinical testing. Allele origin: unknown.

Labcorp Genetics (formerly Invitae), Labcorp
Classification: Uncertain significance. Last evaluated: 2021-03-25. Review status: criteria provided, single submitter. Criteria: Invitae Variant Classification Sherloc (09022015). Collection method: clinical testing. Allele origin: germline.
Comment: This sequence change replaces methionine with leucine at codon 1103 of the ADCY10 protein (p.Met1103Leu). The methionine residue is moderately conserved and there is a small physicochemical difference between methionine and leucine. This variant is present in population databases (rs755931495, ExAC 0.009%). This variant has not been reported in the literature in individuals with ADCY10-related conditions. Algorithms developed to predict the effect of missense changes on protein structure and function output the following: SIFT: "Tolerated"; PolyPhen-2: "Benign"; Align-GVGD: "Class C0". The leucine amino acid residue is found in multiple mammalian species, suggesting that this missense change does not adversely affect protein function. These predictions have not been confirmed by published functional studies and their clinical significance is uncertain. In summary, the available evidence is currently insufficient to determine the role of this variant in disease. Therefore, it has been classified as a Variant of Uncertain Significance.